The following is an entry in ClinVar:

NM_001378969.1(KCND3):c.1393A>G (p.Met465Val)

Gene: KCND3 (potassium voltage-gated channel subfamily D member 3; minus strand). Cytogenetic location: 1p13.2.
Variant type: single nucleotide variant.
Coding change: c.1393A>G on transcript NM_001378969.1 (MANE Select); coding-DNA position 1393, A replaced by G.
Protein change: p.Met465Val; replaces methionine 465 with valine.
Molecular consequence: missense variant.
Genome position (GRCh38, 1-based): chr1:111,780,293, T>C on the plus strand (A>G on the coding strand, the complement: KCND3 is on the minus strand). VCF-style: chr1-111780293-T-C. GRCh37 (hg19) VCF-style: chr1-112322915-T-C.
Other names: c.1393A>G, p.Met465Val (NM_001378970.1, NM_004980.5, NM_172198.3); short protein forms M465V.
Identifiers: ClinVar variation 1510373 (VCV001510373.11), dbSNP rs1245864814, ClinGen allele CA341658750.

ClinVar aggregate classification (germline): Uncertain significance. Review status: criteria provided, multiple submitters, no conflicts (2 of 4 stars). 2 submissions from 2 submitters: Uncertain significance (2). Last evaluated 2025-03-14.

Conditions:
Spinocerebellar ataxia type 19/22 (SCA19). Also called: SPINOCEREBELLAR ATAXIA 19; SPINOCEREBELLAR ATAXIA 22. Identifiers: Orphanet 98772, MedGen C1846367, MONDO:0011819, OMIM 607346.
Cardiovascular phenotype. Identifiers: MedGen CN230736.

Allele frequency attached by ClinVar (database versions not stated): gnomAD exomes 0.00001.
gnomAD v4.1: 11 of 1,577,490 alleles (0.0007%); highest among the groups gnomAD compares: Non-Finnish European, 0.00095%; no homozygotes.

Submissions (2):

Labcorp Genetics (formerly Invitae), Labcorp
Classification: Uncertain significance for Spinocerebellar ataxia type 19/22. Last evaluated: 2025-03-14. Review status: criteria provided, single submitter. Criteria: Invitae Variant Classification Sherloc (09022015). Collection method: clinical testing. Allele origin: germline.
Comment: This sequence change replaces methionine, which is neutral and non-polar, with valine, which is neutral and non-polar, at codon 465 of the KCND3 protein (p.Met465Val). The frequency data for this variant in the population databases is considered unreliable, as metrics indicate poor data quality at this position in the gnomAD database. This variant has not been reported in the literature in individuals affected with KCND3-related conditions. ClinVar contains an entry for this variant (Variation ID: 1510373). Invitae Evidence Modeling of protein sequence and biophysical properties (such as structural, functional, and spatial information, amino acid conservation, physicochemical variation, residue mobility, and thermodynamic stability) indicates that this missense variant is not expected to disrupt KCND3 protein function with a negative predictive value of 95%. In summary, the available evidence is currently insufficient to determine the role of this variant in disease. Therefore, it has been classified as a Variant of Uncertain Significance.

Ambry Genetics
Classification: Uncertain significance for Cardiovascular phenotype. Last evaluated: 2024-12-05. Review status: criteria provided, single submitter. Criteria: Ambry Variant Classification Scheme 2023. Collection method: clinical testing. Allele origin: germline.
Comment: The p.M465V variant (also known as c.1393A>G), located in coding exon 4 of the KCND3 gene, results from an A to G substitution at nucleotide position 1393. The methionine at codon 465 is replaced by valine, an amino acid with highly similar properties. This amino acid position is conserved. In addition, this alteration is predicted to be tolerated by in silico analysis. Since supporting evidence is limited at this time, the clinical significance of this alteration remains unclear.